The following is an entry in ClinVar:

ClinVar aggregate classification (germline): Uncertain significance. Review status: criteria provided, multiple submitters, no conflicts (2 of 4 stars). 3 submissions from 3 submitters: Uncertain significance (3). Last evaluated 2024-08-06.

Conditions:
Hereditary cancer-predisposing syndrome. Also called: Hereditary neoplastic syndrome; Hereditary Cancer Syndrome; Neoplastic Syndromes, Hereditary; Tumor predisposition. Identifiers: Orphanet 140162, MedGen C0027672, MeSH D009386, MONDO:0015356.
Hereditary nonpolyposis colorectal neoplasms. Identifiers: MedGen C0009405, MeSH D003123.
Lynch syndrome. Identifiers: Orphanet 144, MedGen C4552100, MONDO:0005835. Disease mechanism: loss of function.

gnomAD v4.1: 1 of 1,614,178 alleles (0.000062%); highest among the groups gnomAD compares: Non-Finnish European, 0.000085%; no homozygotes.

Submissions (3):

All of Us Research Program, National Institutes of Health
Classification: Uncertain significance for Lynch syndrome. Last evaluated: 2024-08-06. Review status: criteria provided, single submitter. Criteria: ACMG Guidelines, 2015. Collection method: clinical testing. Allele origin: germline. Inheritance: Autosomal dominant inheritance. Observed: 2 variant alleles, 2 heterozygotes.
Comment: This missense variant replaces asparagine with threonine at codon 742 of the MSH6 protein. Computational prediction suggests that this variant may have deleterious impact on protein structure and function (internally defined REVEL score threshold >= 0.7, PMID: 27666373). To our knowledge, functional studies have not been reported for this variant. This variant has not been reported in individuals affected with MSH6-related disorders in the literature. This variant has not been identified in the general population by the Genome Aggregation Database (gnomAD). The available evidence is insufficient to determine the role of this variant in disease conclusively. Therefore, this variant is classified as a Variant of Uncertain Significance.

This study involves interpretation of variants in research participants for the purpose of population health screening. Participant phenotype was not available at the time of variant classification. Additional details can be found in publication PMID: 35346344, PMCID: PMC8962531

Ambry Genetics
Classification: Uncertain significance for Hereditary cancer-predisposing syndrome. Last evaluated: 2023-01-11. Review status: criteria provided, single submitter. Criteria: Ambry Variant Classification Scheme 2023. Collection method: clinical testing. Allele origin: germline.
Comment: The p.N742T variant (also known as c.2225A>C), located in coding exon 4 of the MSH6 gene, results from an A to C substitution at nucleotide position 2225. The asparagine at codon 742 is replaced by threonine, an amino acid with similar properties. This amino acid position is highly conserved in available vertebrate species. In addition, this alteration is predicted to be deleterious by in silico analysis. Since supporting evidence is limited at this time, the clinical significance of this alteration remains unclear.

Labcorp Genetics (formerly Invitae), Labcorp
Classification: Uncertain significance for Hereditary nonpolyposis colorectal neoplasms. Last evaluated: 2020-12-13. Review status: criteria provided, single submitter. Criteria: Invitae Variant Classification Sherloc (09022015). Collection method: clinical testing. Allele origin: germline.
Comment: In summary, the available evidence is currently insufficient to determine the role of this variant in disease. Therefore, it has been classified as a Variant of Uncertain Significance. Advanced modeling of protein sequence and biophysical properties (such as structural, functional, and spatial information, amino acid conservation, physicochemical variation, residue mobility, and thermodynamic stability) performed at Invitae indicates that this missense variant is expected to disrupt MSH6 protein function. This variant has not been reported in the literature in individuals with MSH6-related conditions. ClinVar contains an entry for this variant (Variation ID: 237154). This variant is not present in population databases (ExAC no frequency). This sequence change replaces asparagine with threonine at codon 742 of the MSH6 protein (p.Asn742Thr). The asparagine residue is highly conserved and there is a small physicochemical difference between asparagine and threonine.

NM_000179.3(MSH6):c.2225A>C (p.Asn742Thr)

Gene: MSH6 (mutS homolog 6; plus strand). Cytogenetic location: 2p16.3.
Variant type: single nucleotide variant.
Coding change: c.2225A>C on transcript NM_000179.3 (MANE Select); coding-DNA position 2225, A replaced by C.
Protein change: p.Asn742Thr; replaces asparagine 742 with threonine.
Molecular consequence: missense variant.
Genome position (GRCh38, 1-based): chr2:47,800,208, A>C. VCF-style: chr2-47800208-A-C. GRCh37 (hg19) VCF-style: chr2-48027347-A-C.
Other names: c.1835A>C, p.Asn612Thr (NM_001281492.2); c.1319A>C, p.Asn440Thr (NM_001281493.2, NM_001281494.2); short protein forms N742T, N440T, N612T.
Identifiers: ClinVar variation 237154 (VCV000237154.17), dbSNP rs878853715, ClinGen allele CA10582061.